The following is an entry in ClinVar:

NM_052897.4(MBD6):c.2632C>T (p.Arg878Ter)

Gene: MBD6 (methyl-CpG binding domain protein 6; plus strand). Cytogenetic location: 12q13.3.
Variant type: single nucleotide variant.
Coding change: c.2632C>T on transcript NM_052897.4 (MANE Select); coding-DNA position 2632, C replaced by T.
Protein change: p.Arg878Ter; replaces arginine 878 with a stop codon.
Molecular consequence: nonsense.
Genome position (GRCh38, 1-based): chr12:57,528,372, C>T. VCF-style: chr12-57528372-C-T. GRCh37 (hg19) VCF-style: chr12-57922155-C-T.
Other names: short protein forms R878*.
Identifiers: ClinVar variation 1710444 (VCV001710444.3), dbSNP rs1594867515, ClinGen allele CA385484896.
Genomic context (GRCh38, chr12:57,528,372, plus strand): 5'-GGCCGGAGGGGAGGAGGGGGACTTAGGGGCATTAATGGTGAGGCCAGGCCAGCCCGGGGC[C>T]GAAAGCCTGGCAGCCGGCGGGAGCCTGGCCGACTGGCCCTCAAATGGGGGACACGTGGTG-3'

ClinVar aggregate classification (germline): Uncertain significance (1 of 4 stars; one submission).

gnomAD v4.1: 1 of 1,612,652 alleles (0.000062%); highest among the groups gnomAD compares: Non-Finnish European, 0.000085%; no homozygotes.

Submission:

Greenwood Genetic Center Diagnostic Laboratories, Greenwood Genetic Center
Classification: Uncertain significance. Last evaluated: 2022-07-20. Review status: criteria provided, single submitter. Criteria: ACMG Guidelines, 2015. Collection method: clinical testing. Allele origin: germline. Affected: yes.
Comment: Gene of Uncertain Significance